The following is an entry in ClinVar:

NM_000179.3(MSH6):c.4028_4041dup (p.Glu1348delinsGlnLeuTer)

Gene: MSH6 (mutS homolog 6; plus strand). Cytogenetic location: 2p16.3.
Variant type: Duplication.
Coding change: c.4028_4041dup on transcript NM_000179.3 (MANE Select); coding-DNA positions 4028 to 4041, 14 bases duplicated (CAACTGTAGATGCT).
Protein change: p.Glu1348delinsGlnLeuTer.
Molecular consequence: nonsense.
Genome position (GRCh38, 1-based): chr2:47,806,805-47,806,818, CAACTGTAGATGCT duplicated; duplicating any 14 consecutive bases within chr2:47,806,804-47,806,818 gives the same sequence; the c. name uses the placement nearest the transcript's 3' end. VCF-style (leftmost placement, unchanged base first): chr2-47806803-G-GTCAACTGTAGATGC. GRCh37 (hg19) VCF-style: chr2-48033942-G-GTCAACTGTAGATGC.
Other names: c.3638_3651dup, p.Glu1218delinsGlnLeuTer (NM_001281492.2); c.3122_3135dup, p.Glu1046delinsGlnLeuTer (NM_001281493.2, NM_001281494.2).
Identifiers: ClinVar variation 1479666 (VCV001479666.10), dbSNP rs2104581679, ClinGen allele CA2573134810.

ClinVar aggregate classification (germline): Uncertain significance. Review status: criteria provided, multiple submitters, no conflicts (2 of 4 stars). 2 submissions from 2 submitters: Uncertain significance (2). Last evaluated 2024-03-04.

Conditions:
Hereditary cancer-predisposing syndrome. Also called: Tumor predisposition; Hereditary Cancer Syndrome; Hereditary neoplastic syndrome; Neoplastic Syndromes, Hereditary. Identifiers: Orphanet 140162, MedGen C0027672, MeSH D009386, MONDO:0015356.
Hereditary nonpolyposis colorectal neoplasms. Identifiers: MedGen C0009405, MeSH D003123.

Submissions (2):

Ambry Genetics
Classification: Uncertain significance for Hereditary cancer-predisposing syndrome. Last evaluated: 2024-03-04. Review status: criteria provided, single submitter. Criteria: Ambry Variant Classification Scheme 2023. Collection method: clinical testing. Allele origin: germline.
Comment: The c.4028_4041dup14 variant, located in coding exon 10 of the MSH6 gene, results from a duplication of CAACTGTAGATGCT at nucleotide position 4028, causing a translational frameshift with a predicted alternate stop codon (p.E1348Qfs*3). This alteration occurs at the 3' terminus of theMSH6 gene, is not expected to trigger nonsense-mediated mRNAdecay, and only impacts the last 13 amino acids of the protein. The exact functional effect of this alteration is unknown. Based on the available evidence, the clinical significance of this alteration remains unclear.

Labcorp Genetics (formerly Invitae), Labcorp
Classification: Uncertain significance for Hereditary nonpolyposis colorectal neoplasms. Last evaluated: 2021-06-09. Review status: criteria provided, single submitter. Criteria: Invitae Variant Classification Sherloc (09022015). Collection method: clinical testing. Allele origin: germline.
Comment: In summary, the available evidence is currently insufficient to determine the role of this variant in disease. Therefore, it has been classified as a Variant of Uncertain Significance. Algorithms developed to predict the effect of sequence changes on RNA splicing suggest that this variant may create or strengthen a splice site, but this prediction has not been confirmed by published transcriptional studies. This variant has not been reported in the literature in individuals with MSH6-related conditions. This variant is not present in population databases (ExAC no frequency). This sequence change creates a premature translational stop signal (p.Glu1348Glnfs*3) in the MSH6 gene. While this is not anticipated to result in nonsense mediated decay, it is expected to disrupt the last 13 amino acid(s) of the MSH6 protein.